The following is an entry in ClinVar:

ClinVar aggregate classification (germline): Uncertain significance. Review status: criteria provided, multiple submitters, no conflicts (2 of 4 stars). 2 submissions from 2 submitters: Uncertain significance (2). Last evaluated 2025-10-19.

Conditions:
Inborn genetic diseases. Identifiers: MedGen C0950123, MeSH D030342.
Deafness-lymphedema-leukemia syndrome. Also called: Lymphedema, primary, with myelodysplasia; Emberger syndrome. Identifiers: Orphanet 3226, MedGen C3279664, MONDO:0013540, OMIM 614038.
Monocytopenia with susceptibility to infections. Also called: MONOCYTOPENIA AND MYCOBACTERIAL INFECTION SYNDROME; MONOCYTOPENIA WITH SUSCEPTIBILITY TO MYCOBACTERIAL, FUNGAL, AND PAPILLOMAVIRUS INFECTIONS AND MYELODYSPLASIA; COMBINED IMMUNODEFICIENCY WITH SUSCEPTIBILITY TO MYCOBACTERIAL, VIRAL, AND FUNGAL INFECTIONS; IMMUNODEFICIENCY 21; GATA2 DEFICIENCY; Dendritic cell, monocyte, B lymphocyte, and natural killer lymphocyte deficiency. Identifiers: Orphanet 228423, MedGen C3280030, MONDO:0013607, OMIM 614172.

Submissions (2):

Ambry Genetics
Classification: Uncertain significance for Inborn genetic diseases. Last evaluated: 2025-10-19. Review status: criteria provided, single submitter. Criteria: Ambry Variant Classification Scheme 2023. Collection method: clinical testing. Allele origin: germline.
Comment: The p.A255G variant (also known as c.764C>G), located in coding exon 2 of the GATA2 gene, results from a C to G substitution at nucleotide position 764. The alanine at codon 255 is replaced by glycine, an amino acid with similar properties. This amino acid position is conserved. In addition, the in silico prediction for this alteration is inconclusive. Based on the available evidence, the clinical significance of this variant remains unclear.

Labcorp Genetics (formerly Invitae), Labcorp
Classification: Uncertain significance for Monocytopenia with susceptibility to infections; Deafness-lymphedema-leukemia syndrome. Last evaluated: 2022-09-13. Review status: criteria provided, single submitter. Criteria: Invitae Variant Classification Sherloc (09022015). Collection method: clinical testing. Allele origin: germline.
Comment: Advanced modeling of protein sequence and biophysical properties (such as structural, functional, and spatial information, amino acid conservation, physicochemical variation, residue mobility, and thermodynamic stability) performed at Invitae indicates that this missense variant is not expected to disrupt GATA2 protein function. ClinVar contains an entry for this variant (Variation ID: 1003084). This variant has not been reported in the literature in individuals affected with GATA2-related conditions. This variant is not present in population databases (gnomAD no frequency). This sequence change replaces alanine, which is neutral and non-polar, with glycine, which is neutral and non-polar, at codon 255 of the GATA2 protein (p.Ala255Gly). In summary, the available evidence is currently insufficient to determine the role of this variant in disease. Therefore, it has been classified as a Variant of Uncertain Significance.

NM_032638.5(GATA2):c.764C>G (p.Ala255Gly)

Gene: GATA2 (GATA binding protein 2; minus strand). Cytogenetic location: 3q21.3.
Variant type: single nucleotide variant.
Coding change: c.764C>G on transcript NM_032638.5 (MANE Select); coding-DNA position 764, C replaced by G.
Protein change: p.Ala255Gly; replaces alanine 255 with glycine.
Molecular consequence: missense variant.
Genome position (GRCh38, 1-based): chr3:128,485,834, G>C on the plus strand (C>G on the coding strand, the complement: GATA2 is on the minus strand). VCF-style: chr3-128485834-G-C. GRCh37 (hg19) VCF-style: chr3-128204677-G-C.
Other names: c.764C>G (NM_032638.4); c.764C>G, p.Ala255Gly (NM_001145661.2, NM_001145662.1); short protein forms A255G.
Identifiers: ClinVar variation 1003084 (VCV001003084.9), dbSNP rs2068687757, ClinGen allele CA354405997.